The following is an entry in ClinVar:

NM_198053.3(CD247):c.288G>T (p.Met96Ile)

Gene: CD247 (CD247 molecule; minus strand). Cytogenetic location: 1q24.2.
Variant type: single nucleotide variant.
Coding change: c.288G>T on transcript NM_198053.3 (MANE Select); coding-DNA position 288, G replaced by T.
Protein change: p.Met96Ile; replaces methionine 96 with isoleucine.
Molecular consequence: missense variant.
Genome position (GRCh38, 1-based): chr1:167,438,582, C>A on the plus strand (G>T on the coding strand, the complement: CD247 is on the minus strand). VCF-style: chr1-167438582-C-A. GRCh37 (hg19) VCF-style: chr1-167407819-C-A.
Other names: c.288G>T, p.Met96Ile (NM_000734.4); c.381G>T, p.Met127Ile (NM_001378515.1, NM_001378516.1); short protein forms M127I, M96I.
Identifiers: ClinVar variation 946910 (VCV000946910.3), dbSNP rs139926301, ClinGen allele CA1226021.

ClinVar aggregate classification (germline): Uncertain significance (1 of 4 stars; one submission).

Conditions:
Immunodeficiency 25. Also called: Immunodeficiency due to defect in cd3-zeta, somatic. Identifiers: MedGen C1857798, MONDO:0012426, OMIM 610163.

Allele frequency attached by ClinVar (database versions not stated): ExAC 0.00004; gnomAD 0.00004 and 0.00005; gnomAD exomes 0.00005 and 0.00010; TOPMed 0.00011; ESP Exome Variant Server 0.00023.
gnomAD v4.1: 161 of 1,613,762 alleles (0.01%); highest among the groups gnomAD compares: Non-Finnish European, 0.012%; no homozygotes.

Submission:

Labcorp Genetics (formerly Invitae), Labcorp
Classification: Uncertain significance for Immunodeficiency 25. Last evaluated: 2022-02-05. Review status: criteria provided, single submitter. Criteria: Invitae Variant Classification Sherloc (09022015). Collection method: clinical testing. Allele origin: germline.
Comment: This sequence change replaces methionine, which is neutral and non-polar, with isoleucine, which is neutral and non-polar, at codon 96 of the CD247 protein (p.Met96Ile). This variant is present in population databases (rs139926301, gnomAD 0.01%). This variant has not been reported in the literature in individuals affected with CD247-related conditions. ClinVar contains an entry for this variant (Variation ID: 946910). Algorithms developed to predict the effect of missense changes on protein structure and function output the following: SIFT: "Tolerated"; PolyPhen-2: "Benign"; Align-GVGD: "Class C0". The isoleucine amino acid residue is found in multiple mammalian species, which suggests that this missense change does not adversely affect protein function. In summary, the available evidence is currently insufficient to determine the role of this variant in disease. Therefore, it has been classified as a Variant of Uncertain Significance.